The following is an entry in ClinVar:

NM_001034853.2(RPGR):c.2257_2260del (p.Gly753fs)

Gene: RPGR (retinitis pigmentosa GTPase regulator; minus strand). Cytogenetic location: Xp11.4.
Variant type: Microsatellite.
Coding change: c.2257_2260del on transcript NM_001034853.2 (MANE Select); coding-DNA positions 2257 to 2260, 4 bases deleted (GGAG; older notation c.2257_2260delGGAG).
Protein change: p.Gly753fs; shifts the reading frame from glycine 753.
Molecular consequence: frameshift variant. On other transcripts: intron variant (8).
Genome position (GRCh38, 1-based): chrX:38,286,739-38,286,742, CTCC deleted on the plus strand (GGAG on the coding strand, the reverse complement: RPGR is on the minus strand); deleting any 4 consecutive bases within chrX:38,286,739-38,286,746 gives the same sequence; the c. name uses the placement nearest the transcript's 3' end. VCF-style (leftmost placement, unchanged base first): chrX-38286738-TCTCC-T. GRCh37 (hg19) VCF-style: chrX-38145991-TCTCC-T.
Other names: NM_001034853.2(RPGR):c.2257_2260del; p.Gly753fs; c.2257_2260delGGAG (NM_001034853.1); c.1569+4217_1569+4220del (NM_001367249.1, NM_001367250.1); c.1902+352_1902+355del (NM_001367245.1); c.1386+4217_1386+4220del (NM_001367251.1); c.1719+352_1719+355del (NM_001367246.1); c.1572+4217_1572+4220del (NM_001367247.1); and 2 more; short protein forms G753fs.
Identifiers: ClinVar variation 865892 (VCV000865892.22), dbSNP rs2067187618, ClinGen allele CA916083908.

ClinVar aggregate classification (germline): Pathogenic. Review status: reviewed by expert panel (3 of 4 stars). 10 submissions from 9 submitters: Pathogenic (1). 9 of the submissions do not count toward it. Last evaluated 2025-08-27.

Conditions:
RPGR-related retinopathy. Also called: RPGR retinopathy. Identifiers: MedGen CN305589, MONDO:0100437.
Retinal dystrophy. Also called: Inherited retinal dystrophy. Identifiers: Orphanet 71862, MedGen C0854723, MeSH D058499, MONDO:0019118, HP:0000556.
Primary ciliary dyskinesia. Also called: Ciliary dyskinesia. Identifiers: Orphanet 244, MedGen C0008780, MONDO:0016575, HP:0012265.
Retinitis pigmentosa (RP). Identifiers: Orphanet 791, MedGen C0035334, MeSH D012174, MONDO:0019200, OMIM 268000. Inheritance: Autosomal dominant, autosomal recessive and X linked inheritance.
RPGR-related disorder. Also called: RPGR-related condition.
Retinitis pigmentosa 3. Also called: CHOROIDORETINAL DEGENERATION WITH RETINAL REFLEX IN HETEROZYGOUS WOMEN. Identifiers: Orphanet 791, MedGen C1845667, MONDO:0010227, OMIM 300029.

Submissions (10):

ClinGen X-linked Inherited Retinal Disease Variant Curation Expert Panel, ClinGen
Classification: Pathogenic for RPGR-related retinopathy. Last evaluated: 2025-08-27. Review status: reviewed by expert panel. Criteria: ClinGen X LinkedIRD ACMG Specifications RPGR V1.0.0. Collection method: curation. Allele origin: germline. Inheritance: X-linked inheritance.
Comment: NM_001034853.2(RPGR):c.2257_2260del (p.Gly753LysfsTer?) is a frameshift variant due to a 4-nucleotide deletion that introduces a premature stop codon within exon 15 of 15 that is predicted to disrupt a critical C-terminal region required for proper glutamylation of RPGR (PVS1, PMID: 36445968). This variant is absent from gnomAD v4.1.0 (PM2_Supporting). This variant has been reported in at least 2 apparently unrelated probands meeting one of the PS4 requirements of a male with some functional vision impairment by age 30 years and/or decreased or absent ERG responses, or a female with functional visual abnormality and documentation of a male relative affected with retinitis pigmentosa (PMID: 23681342, PMID: 33576794, PS4_Supporting). At least one proband harboring this variant exhibits a phenotype including a family history consistent with X-linked inheritance (2 pts), childhood onset (1 pt), myopia (0.5 pts), night blindness (0.5 pts), reduced visual acuity (0.5 pts), visual field constriction (0.5 pts), bone spicule pigmentation (0.5 pts), and pale optic discs (0.5 pts), which together are specific for RPGR-related retinopathy (6 points, PP4, PMID: 28157192). In summary, this variant is classified as pathogenic for RPGR-related retinopathy based on the ClinGen X-linked Inherited Retinal Disease Expert Panel Specifications to the ACMG/AMP Variant Interpretation Guidelines for RPGR Version 1.0.0; PVS1, PM2_Supporting, PS4_Supporting, and PP4.

PreventionGenetics, part of Exact Sciences
Classification: Pathogenic for RPGR-related condition. Last evaluated: 2026-02-17. Review status: criteria provided, single submitter. Criteria: ACMG Guidelines, 2015. Collection method: clinical testing. Allele origin: germline. Not counted in ClinVar's aggregate classification.
Comment: The RPGR c.2257_2260delGGAG variant is predicted to result in a frameshift and premature protein termination (p.Gly753Lysfs*61). This variant has been reported in multiple individuals with retinal disease (Table S6, Colombo et al. 2021. PubMed ID: 33576794; Table S1, Karali et al. 2022. PubMed ID: 36460718; Table S1, Lin et al. 2024. PubMed ID: 38219857). This variant is absent in a large population database (gnomAD), indicating this variant is rare. Frameshift variants in exon 15 of RPGR (also known as ORF15) have been well-documented to cause X-linked retinitis pigmentosa (Shu et al. 2007. PubMed ID: 17195164). Given the evidence, we interpret this variant as pathogenic.

GeneDx
Classification: Pathogenic. Last evaluated: 2025-09-02. Review status: criteria provided, single submitter. Criteria: GeneDx Variant Classification Process June 2021. Collection method: clinical testing. Allele origin: germline. Affected: yes. Not counted in ClinVar's aggregate classification.
Comment: Frameshift variant predicted to result in protein truncation or nonsense mediated decay in a gene for which loss of function is a known mechanism of disease; Not observed at significant frequency in large population cohorts (gnomAD); This variant is associated with the following publications: (PMID: 11992260, 22807293, 30285110, 33576794, 34985506, 36460718, 38219857)

3billion
Classification: Pathogenic for RPGR-related disorder. Last evaluated: 2025-05-15. Review status: criteria provided, single submitter. Criteria: ACMG Guidelines, 2015. Collection method: clinical testing. Allele origin: germline. Affected: yes. Not counted in ClinVar's aggregate classification.
Comment: The variant is not observed in the gnomAD v4.1.0 dataset. Predicted Consequence/Location: Frameshift: predicted to result in a loss or disruption of normal protein function through protein truncation. Multiple pathogenic variants are reported in the predicted truncated region. The variant has been reported at least twice as pathogenic with clinical assertions and evidence for the classification (ClinVar ID: VCV000865892 /3billion dataset). Therefore, this variant is classified as Pathogenic according to the recommendation of ACMG/AMP guideline.

Labcorp Genetics (formerly Invitae), Labcorp
Classification: Pathogenic for Primary ciliary dyskinesia. Last evaluated: 2023-03-02. Review status: criteria provided, single submitter. Criteria: Invitae Variant Classification Sherloc (09022015). Collection method: clinical testing. Allele origin: germline. Not counted in ClinVar's aggregate classification.
Comment: This sequence change creates a premature translational stop signal (p.Gly753Lysfs*61) in the RPGR (ORF15) gene. While this is not anticipated to result in nonsense mediated decay, it is expected to disrupt the last 400 amino acid(s) of the RPGR (ORF15) protein. This variant is not present in population databases (gnomAD no frequency). This premature translational stop signal has been observed in individuals with retinitis pigmentosa (PMID: 11992260, 23681342, 33576794). This variant is also known as 504-7del (Gly170fsTer231). ClinVar contains an entry for this variant (Variation ID: 865892). For these reasons, this variant has been classified as Pathogenic.

Institute of Human Genetics, Univ. Regensburg, Univ. Regensburg
Classification: Pathogenic for Retinal dystrophy. Last evaluated: 2023-01-01. Review status: criteria provided, single submitter. Criteria: ACMG Guidelines, 2015. Collection method: clinical testing. Allele origin: germline. Affected: yes. Not counted in ClinVar's aggregate classification.

Centre of Medical Genetics, University Hospital Muenster
Classification: Pathogenic for Retinitis pigmentosa 3. Last evaluated: 2022-05-18. Review status: criteria provided, single submitter. Criteria: ACMG Guidelines, 2015. Collection method: clinical testing. Allele origin: unknown. Affected: yes. Observed: 1 variant allele. Not counted in ClinVar's aggregate classification.
Comment: ACMG categories: PVS1,PM2,PP5

Broad Center for Mendelian Genomics, Broad Institute of MIT and Harvard
Classification: Pathogenic for Retinitis pigmentosa. Last evaluated: 2021-04-01. Review status: criteria provided, single submitter. Criteria: ACMG Guidelines, 2015. Collection method: curation. Allele origin: germline. Inheritance: X-linked inheritance. Affected: yes. Not counted in ClinVar's aggregate classification.
Comment: Through a review of available evidence we were able to apply the following criteria: PVS1, PM2, PP1. Based on this evidence we have classified this variant as Pathogenic. If you have any questions about the classification please reach out to the Pierce Lab.

Blueprint Genetics
Classification: Pathogenic for Retinal dystrophy. Last evaluated: 2019-02-27. Review status: criteria provided, single submitter. Criteria: Blueprint Genetics Variant Classification Scheme. Collection method: clinical testing. Allele origin: germline. Affected: yes. Not counted in ClinVar's aggregate classification.

Blueprint Genetics
Classification: Pathogenic for Retinitis pigmentosa 3. Review status: no assertion criteria provided. Collection method: clinical testing. Allele origin: germline. Affected: yes. Not counted in ClinVar's aggregate classification.

Literature cited by the submitters: PubMed 11992260 (cited by 3 submitters); PubMed 23681342 (cited by Labcorp Genetics (formerly Invitae), Labcorp); PubMed 33576794 (cited by Labcorp Genetics (formerly Invitae), Labcorp and Institute of Human Genetics, Univ. Regensburg, Univ. Regensburg); PubMed 36460718 (cited by Institute of Human Genetics, Univ. Regensburg, Univ. Regensburg); PubMed 34985506 (cited by Institute of Human Genetics, Univ. Regensburg, Univ. Regensburg); PubMed 34906470 (cited by Broad Center for Mendelian Genomics, Broad Institute of MIT and Harvard).